The following is an entry in ClinVar:

NM_000755.5(CRAT):c.945G>C (p.Arg315Ser)

Gene: CRAT (carnitine O-acetyltransferase; minus strand). Cytogenetic location: 9q34.11.
Variant type: single nucleotide variant.
Coding change: c.945G>C on transcript NM_000755.5 (MANE Select); coding-DNA position 945, G replaced by C.
Protein change: p.Arg315Ser; replaces arginine 315 with serine.
Molecular consequence: missense variant.
Genome position (GRCh38, 1-based): chr9:129,100,550, C>G on the plus strand (G>C on the coding strand, the complement: CRAT is on the minus strand). VCF-style: chr9-129100550-C-G. GRCh37 (hg19) VCF-style: chr9-131862829-C-G.
Other names: c.882G>C, p.Arg294Ser (NM_001257363.3, NM_001346548.2, NM_004003.4); c.948G>C, p.Arg316Ser (NM_001346546.2); c.945G>C, p.Arg315Ser (NM_001346547.2); c.825G>C, p.Arg275Ser (NM_001346549.2); short protein forms R315S, R316S, R275S, R294S.
Identifiers: ClinVar variation 1926928 (VCV001926928.5), dbSNP rs2490746664, ClinGen allele CA375094397.

ClinVar aggregate classification (germline): Uncertain significance (1 of 4 stars; one submission).

Submission:

Labcorp Genetics (formerly Invitae), Labcorp
Classification: Uncertain significance. Last evaluated: 2022-08-30. Review status: criteria provided, single submitter. Criteria: Invitae Variant Classification Sherloc (09022015). Collection method: clinical testing. Allele origin: germline.
Comment: This variant is not present in population databases (gnomAD no frequency). In summary, the available evidence is currently insufficient to determine the role of this variant in disease. Therefore, it has been classified as a Variant of Uncertain Significance. Algorithms developed to predict the effect of missense changes on protein structure and function are either unavailable or do not agree on the potential impact of this missense change (SIFT: "Deleterious"; PolyPhen-2: "Benign"; Align-GVGD: "Class C0"). This variant has not been reported in the literature in individuals affected with CRAT-related conditions. This sequence change replaces arginine, which is basic and polar, with serine, which is neutral and polar, at codon 315 of the CRAT protein (p.Arg315Ser).